The following is an entry in ClinVar:

ClinVar aggregate classification (germline): Uncertain significance (1 of 4 stars; one submission).

Allele frequency attached by ClinVar (database versions not stated): gnomAD exomes below 0.00001; ExAC 0.00001; gnomAD 0.00001.
gnomAD v4.1: 3 of 1,613,710 alleles (0.00019%); highest among the groups gnomAD compares: African/African-American, 0.0027%; no homozygotes.

Submission:

Ambry Genetics
Classification: Uncertain significance. Last evaluated: 2024-02-05. Review status: criteria provided, single submitter. Criteria: Ambry Variant Classification Scheme 2023. Collection method: clinical testing. Allele origin: germline.
Comment: The p.L2339S variant (also known as c.7016T>C), located in coding exon 25 of the POLQ gene, results from a T to C substitution at nucleotide position 7016. The leucine at codon 2339 is replaced by serine, an amino acid with dissimilar properties. This amino acid position is conserved. In addition, this alteration is predicted to be deleterious by in silico analysis. Since supporting evidence is limited at this time, the clinical significance of this alteration remains unclear.

NM_199420.4(POLQ):c.7016T>C (p.Leu2339Ser)

Gene: POLQ (DNA polymerase theta; minus strand). Cytogenetic location: 3q13.33.
Variant type: single nucleotide variant.
Coding change: c.7016T>C on transcript NM_199420.4 (MANE Select); coding-DNA position 7016, T replaced by C.
Protein change: p.Leu2339Ser; replaces leucine 2339 with serine.
Molecular consequence: missense variant.
Genome position (GRCh38, 1-based): chr3:121,460,186, A>G on the plus strand (T>C on the coding strand, the complement: POLQ is on the minus strand). VCF-style: chr3-121460186-A-G. GRCh37 (hg19) VCF-style: chr3-121179033-A-G.
Other names: short protein forms L2339S.
Identifiers: ClinVar variation 1756696 (VCV001756696.2), dbSNP rs775261164, ClinGen allele CA2562290.